The following is an entry in ClinVar:

ClinVar aggregate classification (germline): Uncertain significance. Review status: criteria provided, multiple submitters, no conflicts (2 of 4 stars). 4 submissions from 4 submitters: Uncertain significance (4). Last evaluated 2023-12-12.

Conditions:
Inborn genetic diseases. Identifiers: MedGen C0950123, MeSH D030342.
Developmental and epileptic encephalopathy, 18 (DEE18). Also called: Early infantile epileptic encephalopathy 18. Identifiers: Orphanet 369894, MedGen C3809624, MONDO:0014201, OMIM 615476.

Allele frequency attached by ClinVar (database versions not stated): ExAC 0.00001; gnomAD exomes 0.00001; TOPMed 0.00002; ESP Exome Variant Server 0.00008.
gnomAD v4.1: 23 of 1,612,760 alleles (0.0014%); highest among the groups gnomAD compares: Admixed American, 0.013%; no homozygotes.

Submissions (4):

Ambry Genetics
Classification: Uncertain significance for Inborn genetic diseases. Last evaluated: 2023-12-12. Review status: criteria provided, single submitter. Criteria: Ambry Variant Classification Scheme 2023. Collection method: clinical testing. Allele origin: germline.

Genome-Nilou Lab
Classification: Uncertain significance for Developmental and epileptic encephalopathy, 18. Last evaluated: 2023-04-11. Review status: criteria provided, single submitter. Criteria: ACMG Guidelines, 2015. Collection method: clinical testing. Allele origin: germline. Affected: no.

GeneDx
Classification: Uncertain significance. Last evaluated: 2022-12-02. Review status: criteria provided, single submitter. Criteria: GeneDx Variant Classification Process June 2021. Collection method: clinical testing. Allele origin: germline. Affected: yes.
Comment: Not observed at significant frequency in large population cohorts (gnomAD); In silico analysis supports that this missense variant does not alter protein structure/function; Has not been previously published as pathogenic or benign to our knowledge

Labcorp Genetics (formerly Invitae), Labcorp
Classification: Uncertain significance. Last evaluated: 2022-10-25. Review status: criteria provided, single submitter. Criteria: Invitae Variant Classification Sherloc (09022015). Collection method: clinical testing. Allele origin: germline.
Comment: This sequence change replaces glycine, which is neutral and non-polar, with tryptophan, which is neutral and slightly polar, at codon 1022 of the SZT2 protein (p.Gly1022Trp). This variant is present in population databases (rs376134899, gnomAD 0.006%). This variant has not been reported in the literature in individuals affected with SZT2-related conditions. ClinVar contains an entry for this variant (Variation ID: 849688). Advanced modeling of protein sequence and biophysical properties (such as structural, functional, and spatial information, amino acid conservation, physicochemical variation, residue mobility, and thermodynamic stability) performed at Invitae indicates that this missense variant is not expected to disrupt SZT2 protein function. In summary, the available evidence is currently insufficient to determine the role of this variant in disease. Therefore, it has been classified as a Variant of Uncertain Significance.

NM_001365999.1(SZT2):c.3235G>T (p.Gly1079Trp)

Gene: SZT2 (SZT2 subunit of KICSTOR complex; plus strand). Cytogenetic location: 1p34.2.
Variant type: single nucleotide variant.
Coding change: c.3235G>T on transcript NM_001365999.1 (MANE Select); coding-DNA position 3235, G replaced by T.
Protein change: p.Gly1079Trp; replaces glycine 1079 with tryptophan.
Molecular consequence: missense variant.
Genome position (GRCh38, 1-based): chr1:43,426,735, G>T. VCF-style: chr1-43426735-G-T. GRCh37 (hg19) VCF-style: chr1-43892406-G-T.
Other names: c.3064G>T, p.Gly1022Trp (NM_015284.4); short protein forms G1022W, G1079W.
Identifiers: ClinVar variation 849688 (VCV000849688.7), dbSNP rs376134899, ClinGen allele CA808925.
Genomic context (GRCh38, chr1:43,426,735, plus strand): 5'-TGGCCCTGCCCTCTTTCACCCATCTCTACCCCCATTGTAGGTGCCGAGGGGCCACTGCTG[G>T]GGGTTCATGGGATCCCGAAGGAGCAAGCAGTCGGCAGCACCCAGGCCACAGGAGACTCCG-3'
Protein context (NP_001352928.1, residues 1069-1089): HVPGAEGPLL[Gly1079Trp]VHGIPKEQAV